The following is an entry in ClinVar:

NM_198291.3(SRC):c.1585C>G (p.Gln529Glu)

Gene: SRC (SRC proto-oncogene, non-receptor tyrosine kinase; plus strand). Cytogenetic location: 20q11.23.
Variant type: single nucleotide variant.
Coding change: c.1585C>G on transcript NM_198291.3 (MANE Select); coding-DNA position 1585, C replaced by G.
Protein change: p.Gln529Glu; replaces glutamine 529 with glutamic acid.
Molecular consequence: missense variant.
Genome position (GRCh38, 1-based): chr20:37,403,353, C>G. VCF-style: chr20-37403353-C-G. GRCh37 (hg19) VCF-style: chr20-36031756-C-G.
Other names: c.1585C>G, p.Gln529Glu (NM_005417.5); short protein forms Q529E.
Identifiers: ClinVar variation 2572134 (VCV002572134.1), dbSNP rs2516493000, ClinGen allele CA408932560.

ClinVar aggregate classification (germline): Uncertain significance (1 of 4 stars; one submission).

Conditions:
Thrombocytopenia 6 (THC6). Also called: THROMBOCYTOPENIA, AUTOSOMAL DOMINANT, 6. Identifiers: Orphanet 480851, MedGen C4310789, MONDO:0014837, OMIM 616937.

Submission:

ISTH-SSC Genomics in Thrombosis and Hemostasis, KU Leuven, Center for Molecular and Vascular Biology
Classification: Uncertain significance for Thrombocytopenia 6. Review status: criteria provided, single submitter. Criteria: ACMG Guidelines, 2015. Collection method: clinical testing. Allele origin: germline. Affected: yes. Observed: 1 heterozygote.
Comment: Submitted to the GoldVariant database by Kathleen Freson, Center for Molecular and Vascular Biology